The following is an entry in ClinVar:

ClinVar aggregate classification (germline): Uncertain significance (1 of 4 stars; one submission).

Conditions:
Primary ciliary dyskinesia. Also called: Ciliary dyskinesia. Identifiers: Orphanet 244, MedGen C0008780, MONDO:0016575, HP:0012265.

gnomAD v4.1: 12 of 1,610,392 alleles (0.00075%); highest among the groups gnomAD compares: Non-Finnish European, 0.00093%; no homozygotes.

Submission:

Labcorp Genetics (formerly Invitae), Labcorp
Classification: Uncertain significance for Primary ciliary dyskinesia. Last evaluated: 2022-09-13. Review status: criteria provided, single submitter. Criteria: Invitae Variant Classification Sherloc (09022015). Collection method: clinical testing. Allele origin: germline.
Comment: This sequence change replaces glutamine, which is neutral and polar, with proline, which is neutral and non-polar, at codon 2638 of the DNAH11 protein (p.Gln2638Pro). This variant is not present in population databases (gnomAD no frequency). This variant has not been reported in the literature in individuals affected with DNAH11-related conditions. ClinVar contains an entry for this variant (Variation ID: 1052182). Algorithms developed to predict the effect of missense changes on protein structure and function are either unavailable or do not agree on the potential impact of this missense change (SIFT: "Not Available"; PolyPhen-2: "Probably Damaging"; Align-GVGD: "Not Available"). Algorithms developed to predict the effect of sequence changes on RNA splicing suggest that this variant may create or strengthen a splice site. This variant disrupts the p.Gln2638 amino acid residue in DNAH11. Other variant(s) that disrupt this residue have been observed in individuals with DNAH11-related conditions (PMID: 22184204, 29363216), which suggests that this may be a clinically significant amino acid residue. In summary, the available evidence is currently insufficient to determine the role of this variant in disease. Therefore, it has been classified as a Variant of Uncertain Significance.

Literature cited by the submitters: PubMed 22184204; PubMed 29363216.

NM_001277115.2(DNAH11):c.7913A>C (p.Gln2638Pro)

Gene: DNAH11 (dynein axonemal heavy chain 11; plus strand). Cytogenetic location: 7p15.3.
Variant type: single nucleotide variant.
Coding change: c.7913A>C on transcript NM_001277115.2 (MANE Select); coding-DNA position 7913, A replaced by C.
Protein change: p.Gln2638Pro; replaces glutamine 2638 with proline.
Molecular consequence: missense variant.
Genome position (GRCh38, 1-based): chr7:21,739,672, A>C. VCF-style: chr7-21739672-A-C. GRCh37 (hg19) VCF-style: chr7-21779290-A-C.
Other names: short protein forms Q2638P.
Identifiers: ClinVar variation 1052182 (VCV001052182.6), dbSNP rs1417718316, ClinGen allele CA366951012.